The following is an entry in ClinVar:

NM_171830.2(KCNMB3):c.145G>A (p.Ala49Thr)

Gene: KCNMB3 (potassium calcium-activated channel subfamily M regulatory beta subunit 3; minus strand). Cytogenetic location: 3q26.32.
Variant type: single nucleotide variant.
Coding change: c.145G>A on transcript NM_171830.2 (MANE Select); coding-DNA position 145, G replaced by A.
Protein change: p.Ala49Thr; replaces alanine 49 with threonine.
Molecular consequence: missense variant. On other transcripts: non-coding transcript variant (1).
Genome position (GRCh38, 1-based): chr3:179,250,846, C>T on the plus strand (G>A on the coding strand, the complement: KCNMB3 is on the minus strand). VCF-style: chr3-179250846-C-T. GRCh37 (hg19) VCF-style: chr3-178968634-C-T.
Other names: c.151G>A, p.Ala51Thr (NM_001163677.2, NM_171828.3); c.157G>A, p.Ala53Thr (NM_014407.3); c.91G>A, p.Ala31Thr (NM_171829.3); short protein forms A31T, A49T, A51T, A53T.
Identifiers: ClinVar variation 1250939 (VCV001250939.3), dbSNP rs7645550, ClinGen allele CA2711247.

ClinVar aggregate classification (germline): Benign. Review status: criteria provided, multiple submitters, no conflicts (2 of 4 stars). 2 submissions from 2 submitters: Benign (2). Last evaluated 2020-04-28.

Allele frequency attached by ClinVar (database versions not stated): 1000 Genomes Project 0.31530; 1000 Genomes Project 30x 0.31886; gnomAD exomes 0.34260 and 0.37806; ExAC 0.34558; TOPMed 0.36245; gnomAD 0.36515 and 0.37159; ESP Exome Variant Server 0.38398.
gnomAD v4.1: 606,967 of 1,613,814 alleles (38%); highest among the groups gnomAD compares: Non-Finnish European, 40%; 116,715 homozygotes.

Submissions (2):

GeneDx
Classification: Benign. Last evaluated: 2020-04-28. Review status: criteria provided, single submitter. Criteria: GeneDx Variant Classification Process June 2021. Collection method: clinical testing. Allele origin: germline. Affected: yes.
Comment: This variant is associated with the following publications: (PMID: 23826284)

Breakthrough Genomics
Classification: Benign. Review status: criteria provided, single submitter. Criteria: ACMG Guidelines, 2015. Collection method: not provided. Allele origin: germline. Inheritance: Unknown mechanism. Affected: yes.